The following is an entry in ClinVar:

NM_001170629.2(CHD8):c.1201G>C (p.Val401Leu)

Gene: CHD8 (chromodomain helicase DNA binding protein 8; minus strand). Cytogenetic location: 14q11.2.
Variant type: single nucleotide variant.
Coding change: c.1201G>C on transcript NM_001170629.2 (MANE Select); coding-DNA position 1201, G replaced by C.
Protein change: p.Val401Leu; replaces valine 401 with leucine.
Molecular consequence: missense variant.
Genome position (GRCh38, 1-based): chr14:21,428,978, C>G on the plus strand (G>C on the coding strand, the complement: CHD8 is on the minus strand). VCF-style: chr14-21428978-C-G. GRCh37 (hg19) VCF-style: chr14-21897137-C-G.
Other names: c.364G>C, p.Val122Leu (NM_020920.4); short protein forms V122L, V401L.
Identifiers: ClinVar variation 4883043 (VCV004883043.2).

ClinVar aggregate classification (germline): Uncertain significance (1 of 4 stars; one submission).

Conditions:
Intellectual developmental disorder with autism and macrocephaly. Also called: Autism, susceptibility to, 18; CHD8-Related Neurodevelopmental Disorder with Overgrowth. Identifiers: Orphanet 642675, MedGen C3554373, MONDO:0014017, OMIM 615032.

Submission:

Dasa
Classification: Uncertain significance for Intellectual developmental disorder with autism and macrocephaly. Last evaluated: 2024-10-19. Review status: criteria provided, single submitter. Criteria: DASA Assertion Criteria. Collection method: clinical testing. Allele origin: germline.
Comment: NM_001170629.2(CHD8):c.1201G>C (p.Val401Leu) is a missense variant that results in the substitution of valine with leucine. This variant is absent from population databases. Computational prediction algorithms are consistent with a benign effect. The currently available literature and clinical evidence are not sufficient to establish a definitive association between this variant and the reported condition. Therefore, this variant is classified as a variant of uncertain significance.